The following is an entry in ClinVar:

ClinVar aggregate classification (germline): Uncertain significance (1 of 4 stars; one submission).

Allele frequency attached by ClinVar (database versions not stated): gnomAD exomes below 0.00001 and 0.00001; TOPMed below 0.00001; ExAC 0.00001; gnomAD 0.00001.
gnomAD v4.1: 4 of 1,529,458 alleles (0.00026%); highest among the groups gnomAD compares: Non-Finnish European, 0.000087%; no homozygotes.

Submission:

Laboratorio de Genetica e Diagnostico Molecular, Hospital Israelita Albert Einstein
Classification: Uncertain significance. Last evaluated: 2019-10-06. Review status: criteria provided, single submitter. Criteria: ACMG Guidelines, 2015. Collection method: clinical testing. Allele origin: germline. Affected: yes.
Comment: ACMG classification criteria: PM2

NM_016151.4(TAOK2):c.2990T>G (p.Val997Gly)

Gene: TAOK2 (TAO kinase 2; plus strand). Cytogenetic location: 16p11.2.
Variant type: single nucleotide variant.
Coding change: c.2990T>G on transcript NM_016151.4 (MANE Select); coding-DNA position 2990, T replaced by G.
Protein change: p.Val997Gly; replaces valine 997 with glycine.
Molecular consequence: missense variant. On other transcripts: intron variant (1).
Genome position (GRCh38, 1-based): chr16:29,987,262, T>G. VCF-style: chr16-29987262-T-G. GRCh37 (hg19) VCF-style: chr16-29998583-T-G.
Other names: c.2651T>G, p.Val884Gly (NM_001252043.2); c.2232+758T>G (NM_004783.4); short protein forms V884G, V997G.
Identifiers: ClinVar variation 1690694 (VCV001690694.2), dbSNP rs752250092, ClinGen allele CA7998481.
Genomic context (GRCh38, chr16:29,987,262, plus strand): 5'-TGGCAGCCCAGGGTGGGGGTGGCCTGCAGGCAGCGCTGCTGGCCCTTGAGGTGGGGCTGG[T>G]GGGTCTGGGGGCCTCCTACCTGCTCCTTTGTACAGCCCTGCACCTGCCCTCCAGTCTTTT-3'
Protein context (NP_057235.2, residues 987-1007): AALLALEVGL[Val997Gly]GLGASYLLLC